The following is an entry in ClinVar:

ClinVar aggregate classification (germline): Uncertain significance. Review status: criteria provided, single submitter (1 of 4 stars). 2 submissions from 2 submitters: Uncertain significance (1). 1 of the submissions does not count toward it. Last evaluated 2024-07-16.

Conditions:
Birt-Hogg-Dube syndrome. Also called: Birt Hogg Dubé syndrome. Identifiers: Orphanet 122, MedGen C0346010, MONDO:0800444.

Submissions (2):

Labcorp Genetics (formerly Invitae), Labcorp
Classification: Uncertain significance for Birt-Hogg-Dube syndrome. Last evaluated: 2024-07-16. Review status: criteria provided, single submitter. Criteria: Invitae Variant Classification Sherloc (09022015). Collection method: clinical testing. Allele origin: germline.
Comment: This sequence change replaces cysteine, which is neutral and slightly polar, with glycine, which is neutral and non-polar, at codon 11 of the FLCN protein (p.Cys11Gly). This variant is not present in population databases (gnomAD no frequency). This variant has not been reported in the literature in individuals affected with FLCN-related conditions. ClinVar contains an entry for this variant (Variation ID: 660305). Advanced modeling of protein sequence and biophysical properties (such as structural, functional, and spatial information, amino acid conservation, physicochemical variation, residue mobility, and thermodynamic stability) performed at Invitae indicates that this missense variant is expected to disrupt FLCN protein function with a positive predictive value of 80%. This variant disrupts the p.Cys11 amino acid residue in FLCN. Other variant(s) that disrupt this residue have been determined to be pathogenic (PMID: 30360018; Invitae). This suggests that this residue is clinically significant, and that variants that disrupt this residue are likely to be disease-causing. In summary, the available evidence is currently insufficient to determine the role of this variant in disease. Therefore, it has been classified as a Variant of Uncertain Significance.

Division of Respiratory Medicine of Juntendo University, Juntendo University Faculty of Medicine and Graduate School of Medicine
Classification: Pathogenic for Birt-Hogg-Dube syndrome 1. Last evaluated: 2023-07-01. Review status: no assertion criteria provided. Collection method: clinical testing. Allele origin: germline. Affected: yes. Not counted in ClinVar's aggregate classification.

Literature cited by the submitters: PubMed 30360018 (cited by Labcorp Genetics (formerly Invitae), Labcorp).

NM_144997.7(FLCN):c.31T>G (p.Cys11Gly)

Gene: FLCN (folliculin; minus strand). Cytogenetic location: 17p11.2.
Variant type: single nucleotide variant.
Coding change: c.31T>G on transcript NM_144997.7 (MANE Select); coding-DNA position 31, T replaced by G.
Protein change: p.Cys11Gly; replaces cysteine 11 with glycine.
Molecular consequence: missense variant.
Genome position (GRCh38, 1-based): chr17:17,228,107, A>C on the plus strand (T>G on the coding strand, the complement: FLCN is on the minus strand). VCF-style: chr17-17228107-A-C. GRCh37 (hg19) VCF-style: chr17-17131421-A-C.
Other names: c.31T>G (LRG_325t1); c.31T>G, p.Cys11Gly (NM_001353230.2, NM_001353231.2, NM_144606.7 and 1 more transcripts); short protein forms C11G.
Identifiers: ClinVar variation 660305 (VCV000660305.7), dbSNP rs879255659, ClinGen allele CA398535469.
Genomic context (GRCh38, chr17:17,228,107, plus strand): 5'-GAGGAAGTGGGGCGTGCAGCACCTCCGTGCAGAAGAGAGTGCGGGGGCCGTGGAGCTCGC[A>C]GAAGTGGCAGAGAGCCACGATGGCATTCATGGTGCCTTGGAGACTGCAACAGGCCTGCGT-3'
Protein context (NP_659434.2, residues 1-21): MNAIVALCHF[Cys11Gly]ELHGPRTLFC